The following is an entry in ClinVar:

NM_015426.5(POC1A):c.176G>A (p.Gly59Asp)

Gene: POC1A (POC1 centriolar protein A; minus strand). Cytogenetic location: 3p21.2.
Variant type: single nucleotide variant.
Coding change: c.176G>A on transcript NM_015426.5 (MANE Select); coding-DNA position 176, G replaced by A.
Protein change: p.Gly59Asp; replaces glycine 59 with aspartic acid.
Molecular consequence: missense variant.
Genome position (GRCh38, 1-based): chr3:52,149,915, C>T on the plus strand (G>A on the coding strand, the complement: POC1A is on the minus strand). VCF-style: chr3-52149915-C-T. GRCh37 (hg19) VCF-style: chr3-52183931-C-T.
Other names: c.176G>A, p.Gly59Asp (NM_001161580.2); c.62G>A, p.Gly21Asp (NM_001161581.2); short protein forms G21D, G59D.
Identifiers: ClinVar variation 1806089 (VCV001806089.1), dbSNP rs2470914891, ClinGen allele CA353050608.

ClinVar aggregate classification (germline): Uncertain significance (1 of 4 stars; one submission).

Conditions:
Short stature-onychodysplasia-facial dysmorphism-hypotrichosis syndrome. Also called: Short stature, onychodysplasia, facial dysmorphism, and hypotrichosis; SOFT SYNDROME. Identifiers: Orphanet 314394, MedGen C3542022, MONDO:0013894, OMIM 614813.

Allele frequency attached by ClinVar (database versions not stated): gnomAD exomes 0.00001.
gnomAD v4.1: 11 of 1,613,920 alleles (0.00068%); highest among the groups gnomAD compares: Non-Finnish European, 0.00093%; no homozygotes.

Submission:

Victorian Clinical Genetics Services, Murdoch Childrens Research Institute
Classification: Uncertain significance for Short stature-onychodysplasia-facial dysmorphism-hypotrichosis syndrome. Last evaluated: 2020-10-19. Review status: criteria provided, single submitter. Criteria: ACMG Guidelines, 2015. Collection method: clinical testing. Allele origin: germline. Inheritance: Autosomal recessive inheritance.
Comment: Based on the classification scheme VCGS_Germline_v1.3.3, this variant is classified as VUS-3B. Following criteria are met: 0102 - Loss of function is a likely mechanism of disease in this gene and is associated with short stature, onychodysplasia, facial dysmorphism, and hypotrichosis (MIM#614813). (I) 0106 - This gene is associated with autosomal recessive disease. (I) 0200 - Variant is predicted to result in a missense amino acid change from glycine to aspartic acid. (I) 0251 - This variant is heterozygous. (I) 0301 - Variant is absent from gnomAD (both v2 and v3). (SP) 0502 - Missense variant with conflicting in silico predictions and uninformative conservation. (I) 0600 - Variant is located in the annotated structural tetrad residue of the WD40 domain (NCBI). (I) 0705 - No comparable missense variants have previous evidence for pathogenicity. (I) 0807 - This variant has no previous evidence of pathogenicity. (I) 0905 - No published segregation evidence has been identified for this variant. (I) 1007 - No published functional evidence has been identified for this variant. (I) 1208 - Inheritance information for this variant is not currently available in this individual. (I) Legend: (SP) - Supporting pathogenic, (I) - Information, (SB) - Supporting benign